The following is an entry in ClinVar:

NM_001018115.3(FANCD2):c.1920A>C (p.Gln640His)

Genes: FANCD2 (FA complementation group D2; plus strand), LOC107303338 (3p25 FANCD2 Alu-mediated recombination region; plus strand). Cytogenetic location: 3p25.3.
Variant type: single nucleotide variant.
Coding change: c.1920A>C on transcript NM_001018115.3 (MANE Select); coding-DNA position 1920, A replaced by C.
Protein change: p.Gln640His; replaces glutamine 640 with histidine.
Molecular consequence: missense variant.
Genome position (GRCh38, 1-based): chr3:10,063,884, A>C. VCF-style: chr3-10063884-A-C. GRCh37 (hg19) VCF-style: chr3-10105568-A-C.
Other names: c.1920A>C, p.Gln640His (NM_001319984.2, NM_001374254.1, NM_033084.6); c.1809A>C, p.Gln603His (NM_001374253.1); short protein forms Q640H, Q603H.
Identifiers: ClinVar variation 582213 (VCV000582213.12), dbSNP rs140452766, ClinGen allele CA2249870.

ClinVar aggregate classification (germline): Conflicting classifications of pathogenicity. Review status: criteria provided, conflicting classifications (1 of 4 stars). 7 submissions from 7 submitters: Uncertain significance (6); Likely benign (1). Last evaluated 2025-05-06.

Conditions:
Inborn genetic diseases. Identifiers: MedGen C0950123, MeSH D030342.
Fanconi anemia (FA). Also called: Fanconi's anemia. Identifiers: Orphanet 84, MedGen C0015625, MeSH D005199, MONDO:0019391.
Fanconi anemia complementation group D2. Also called: FANCD2-Related Fanconi Anemia; FANCONI PANCYTOPENIA, TYPE 4; FANCONI ANEMIA, COMPLEMENTATION GROUP D. Identifiers: Orphanet 84, MedGen C3160738, MONDO:0009214, OMIM 227646.

Allele frequency attached by ClinVar (database versions not stated): gnomAD exomes 0.00005 and 0.00010; ExAC 0.00012; 1000 Genomes Project 30x 0.00016; 1000 Genomes Project 0.00020; ESP Exome Variant Server 0.00038; gnomAD 0.00048; TOPMed 0.00057.
gnomAD v4.1: 149 of 1,614,240 alleles (0.0092%); highest among the groups gnomAD compares: African/African-American, 0.16%; no homozygotes.

Submissions (7):

GeneDx
Classification: Uncertain significance. Last evaluated: 2025-05-06. Review status: criteria provided, single submitter. Criteria: GeneDx Variant Classification Process June 2021. Collection method: clinical testing. Allele origin: germline. Affected: yes.
Comment: In silico analysis supports that this missense variant has a deleterious effect on protein structure/function; Has not been previously published as pathogenic or benign to our knowledge

Blueprint Genetics
Classification: Likely benign. Last evaluated: 2024-08-02. Review status: criteria provided, single submitter. Criteria: ACMG Guidelines, 2015. Collection method: clinical testing. Allele origin: germline.

Labcorp Genetics (formerly Invitae), Labcorp
Classification: Uncertain significance for Fanconi anemia. Last evaluated: 2022-10-18. Review status: criteria provided, single submitter. Criteria: Invitae Variant Classification Sherloc (09022015). Collection method: clinical testing. Allele origin: germline.
Comment: This sequence change replaces glutamine, which is neutral and polar, with histidine, which is basic and polar, at codon 640 of the FANCD2 protein (p.Gln640His). This variant is present in population databases (rs140452766, gnomAD 0.1%). This variant has not been reported in the literature in individuals affected with FANCD2-related conditions. ClinVar contains an entry for this variant (Variation ID: 582213). Advanced modeling of protein sequence and biophysical properties (such as structural, functional, and spatial information, amino acid conservation, physicochemical variation, residue mobility, and thermodynamic stability) performed at Invitae indicates that this missense variant is not expected to disrupt FANCD2 protein function. In summary, the available evidence is currently insufficient to determine the role of this variant in disease. Therefore, it has been classified as a Variant of Uncertain Significance.

Fulgent Genetics
Classification: Uncertain significance for Fanconi anemia complementation group D2. Last evaluated: 2022-04-12. Review status: criteria provided, single submitter. Criteria: ACMG Guidelines, 2015. Collection method: clinical testing. Allele origin: unknown.

Ambry Genetics
Classification: Uncertain significance for Inborn genetic diseases. Last evaluated: 2021-09-17. Review status: criteria provided, single submitter. Criteria: Ambry Variant Classification Scheme 2023. Collection method: clinical testing. Allele origin: germline.

Baylor Genetics
Classification: Uncertain significance for Fanconi anemia complementation group D2. Last evaluated: 2019-04-29. Review status: criteria provided, single submitter. Criteria: ACMG Guidelines, 2015. Collection method: clinical testing. Allele origin: unknown. Affected: yes.
Comment: This variant was determined to be of uncertain significance according to ACMG Guidelines, 2015 [PMID:25741868].

Breakthrough Genomics
Classification: Uncertain significance. Review status: criteria provided, single submitter. Criteria: ACMG Guidelines, 2015. Collection method: not provided. Allele origin: germline. Inheritance: Autosomal recessive inheritance. Affected: yes.